The following is an entry in ClinVar:

NM_001353345.2(SETD1B):c.5384C>T (p.Ser1795Leu)

Gene: SETD1B (SET domain containing 1B, histone lysine methyltransferase; plus strand). Cytogenetic location: 12q24.31.
Variant type: single nucleotide variant.
Coding change: c.5384C>T on transcript NM_001353345.2 (MANE Select); coding-DNA position 5384, C replaced by T.
Protein change: p.Ser1795Leu; replaces serine 1795 with leucine.
Molecular consequence: missense variant.
Genome position (GRCh38, 1-based): chr12:121,827,565, C>T. VCF-style: chr12-121827565-C-T. GRCh37 (hg19) VCF-style: chr12-122265471-C-T.
Other names: short protein forms S1795L.
Identifiers: ClinVar variation 2505247 (VCV002505247.1), dbSNP rs2500251718, ClinGen allele CA387003281.

ClinVar aggregate classification (germline): Pathogenic (1 of 4 stars; one submission).

Conditions:
Intellectual developmental disorder with seizures and language delay (IDDSELD). Identifiers: MedGen C5436574, MONDO:0033559, OMIM 619000.

Submission:

Greenwood Genetic Center Diagnostic Laboratories, Greenwood Genetic Center
Classification: Pathogenic for Intellectual developmental disorder with seizures and language delay. Last evaluated: 2023-01-26. Review status: criteria provided, single submitter. Criteria: ACMG Guidelines, 2015. Collection method: clinical testing. Allele origin: germline. Affected: yes.
Comment: PS2, PM1, PM2, PP2, PP3